The following is an entry in ClinVar:

NM_002691.4(POLD1):c.1794C>T (p.Ile598=)

Gene: POLD1 (DNA polymerase delta 1, catalytic subunit; plus strand). Cytogenetic location: 19q13.33.
Variant type: single nucleotide variant.
Coding change: c.1794C>T on transcript NM_002691.4 (MANE Select); coding-DNA position 1794, C replaced by T.
Protein change: p.Ile598=; no amino-acid change (isoleucine 598 retained).
Molecular consequence: synonymous variant. On other transcripts: non-coding transcript variant (1).
Genome position (GRCh38, 1-based): chr19:50,408,803, C>T. VCF-style: chr19-50408803-C-T. GRCh37 (hg19) VCF-style: chr19-50912060-C-T.
Other names: c.1794C>T, p.Ile598= (NM_001256849.1); c.1872C>T, p.Ile624= (NM_001308632.1).
Identifiers: ClinVar variation 239255 (VCV000239255.29), dbSNP rs369152704, ClinGen allele CA9596286.
Genomic context (GRCh38, chr19:50,408,803, plus strand): 5'-ACTCCTAGCCCTGACTCCCGGCCGCGGCTGCTCCCCTCCCAGGTACTACGACGTCCCCAT[C>T]GCCACCCTGGACTTCTCCTCGCTGTACCCGTCCATCATGATGGCCCACAACCTGTGTTAC-3'
Protein context (NP_002682.2, residues 588-608): EPLKGYYDVP[Ile598=]ATLDFSSLYP

ClinVar aggregate classification (germline): Likely benign. Review status: criteria provided, multiple submitters, no conflicts (2 of 4 stars). 10 submissions from 10 submitters: Likely benign (10). Last evaluated 2026-02-03.

Conditions:
Hereditary cancer-predisposing syndrome. Also called: Hereditary Cancer Syndrome; Neoplastic Syndromes, Hereditary; Hereditary neoplastic syndrome; Tumor predisposition. Identifiers: Orphanet 140162, MedGen C0027672, MeSH D009386, MONDO:0015356.
POLD1-related polyposis and colorectal cancer syndrome (CRCS10). Also called: COLORECTAL CANCER, SUSCEPTIBILITY TO, ON CHROMOSOME 19q; Colorectal cancer 10; Colorectal cancer, susceptibility to, 10. Identifiers: Orphanet 220460, MedGen C2675481, MONDO:0012953, OMIM 612591.
Familial colorectal cancer type X. Identifiers: Orphanet 440437, MedGen C3896578, MONDO:0018604.
Polymerase proofreading-related adenomatous polyposis. Also called: Polymerase proofreading associated polyposis; Polymerase proofreading–associated polyposis (PPAP). Identifiers: Orphanet 447877, MedGen C5202613, MONDO:0018653.

Allele frequency attached by ClinVar (database versions not stated): gnomAD exomes 0.00001 and 0.00002; ExAC 0.00002; TOPMed 0.00003; gnomAD 0.00004.
gnomAD v4.1: 31 of 1,613,802 alleles (0.0019%); highest among the groups gnomAD compares: South Asian, 0.0055%; no homozygotes.

Submissions (10):

Labcorp Genetics (formerly Invitae), Labcorp
Classification: Likely benign for POLD1-related polyposis and colorectal cancer syndrome. Last evaluated: 2026-02-03. Review status: criteria provided, single submitter. Criteria: Invitae Variant Classification Sherloc (09022015). Collection method: clinical testing. Allele origin: germline.

Center for Genomic Medicine, Rigshospitalet, Copenhagen University Hospital
Classification: Likely benign. Last evaluated: 2025-03-04. Review status: criteria provided, single submitter. Criteria: ACMG Guidelines, 2015. Collection method: clinical testing. Allele origin: germline.

Department of Pathology and Laboratory Medicine, Sinai Health System
Classification: Likely benign for Polymerase proofreading-related adenomatous polyposis; Familial colorectal cancer type X. Last evaluated: 2024-06-17. Review status: criteria provided, single submitter. Criteria: ACMG Guidelines, 2015. Collection method: clinical testing. Allele origin: germline. Affected: yes.

Blueprint Genetics
Classification: Likely benign. Last evaluated: 2023-02-28. Review status: criteria provided, single submitter. Criteria: ACMG Guidelines, 2015. Collection method: clinical testing. Allele origin: germline.

Sema4
Classification: Likely benign for Hereditary cancer-predisposing syndrome. Last evaluated: 2020-07-15. Review status: criteria provided, single submitter. Criteria: Sema4 Curation Guidelines. Collection method: curation. Allele origin: germline.

Quest Diagnostics Nichols Institute San Juan Capistrano
Classification: Likely benign. Last evaluated: 2019-01-17. Review status: criteria provided, single submitter. Criteria: Quest Diagnostics criteria. Collection method: clinical testing. Allele origin: germline.

PreventionGenetics, part of Exact Sciences
Classification: Likely benign. Last evaluated: 2017-09-21. Review status: criteria provided, single submitter. Criteria: ACMG Guidelines, 2015. Collection method: clinical testing. Allele origin: germline.

GeneDx
Classification: Likely benign. Last evaluated: 2017-09-07. Review status: criteria provided, single submitter. Criteria: GeneDx Variant Classification (06012015). Collection method: clinical testing. Allele origin: germline. Affected: yes.
Comment: This variant is considered likely benign or benign based on one or more of the following criteria: it is a conservative change, it occurs at a poorly conserved position in the protein, it is predicted to be benign by multiple in silico algorithms, and/or has population frequency not consistent with disease.

Ambry Genetics
Classification: Likely benign for Hereditary cancer-predisposing syndrome. Last evaluated: 2015-08-14. Review status: criteria provided, single submitter. Criteria: Ambry Variant Classification Scheme 2023. Collection method: clinical testing. Allele origin: germline.

Breakthrough Genomics
Classification: Likely benign. Review status: criteria provided, single submitter. Criteria: ACMG Guidelines, 2015. Collection method: not provided. Allele origin: germline. Inheritance: Autosomal dominant inheritance. Affected: yes.